The following is an entry in ClinVar:

NM_000268.4(NF2):c.1364A>G (p.Lys455Arg)

Gene: NF2 (NF2, moesin-ezrin-radixin like (MERLIN) tumor suppressor; plus strand). Cytogenetic location: 22q12.2.
Variant type: single nucleotide variant.
Coding change: c.1364A>G on transcript NM_000268.4 (MANE Select); coding-DNA position 1364, A replaced by G.
Protein change: p.Lys455Arg; replaces lysine 455 with arginine.
Molecular consequence: missense variant. On other transcripts: non-coding transcript variant (1), intron variant (1).
Genome position (GRCh38, 1-based): chr22:29,674,859, A>G. VCF-style: chr22-29674859-A-G. GRCh37 (hg19) VCF-style: chr22-30070848-A-G.
Other names: c.1364A>G, p.Lys455Arg (NM_016418.5, NM_181825.3, NM_181832.3); c.1238A>G, p.Lys413Arg (NM_181828.3); c.1241A>G, p.Lys414Arg (NM_181829.3); c.1115A>G, p.Lys372Arg (NM_181830.3, NM_181831.3); c.448-19893A>G (NM_181833.3); short protein forms K455R, K414R, K372R, K413R.
Identifiers: ClinVar variation 527689 (VCV000527689.12), dbSNP rs1318882444, ClinGen allele CA411148884.

ClinVar aggregate classification (germline): Uncertain significance. Review status: criteria provided, multiple submitters, no conflicts (2 of 4 stars). 2 submissions from 2 submitters: Uncertain significance (2). Last evaluated 2025-05-07.

Conditions:
Hereditary cancer-predisposing syndrome. Also called: Tumor predisposition; Hereditary neoplastic syndrome; Neoplastic Syndromes, Hereditary; Hereditary Cancer Syndrome. Identifiers: Orphanet 140162, MedGen C0027672, MeSH D009386, MONDO:0015356.
Neurofibromatosis, type 2 (SWNV). Also called: NF2-Related Schwannomatosis; BILATERAL ACOUSTIC NEUROFIBROMATOSIS; SCHWANNOMATOSIS, VESTIBULAR. Identifiers: Orphanet 637, MedGen C0027832, MONDO:0007039, OMIM 101000. Disease mechanism: loss of function.

Allele frequency attached by ClinVar (database versions not stated): gnomAD exomes 0.00001.
gnomAD v4.1: 9 of 1,563,686 alleles (0.00058%); highest among the groups gnomAD compares: South Asian, 0.0094%; no homozygotes.

Submissions (2):

Labcorp Genetics (formerly Invitae), Labcorp
Classification: Uncertain significance for Neurofibromatosis, type 2. Last evaluated: 2025-05-07. Review status: criteria provided, single submitter. Criteria: Invitae Variant Classification Sherloc (09022015). Collection method: clinical testing. Allele origin: germline.
Comment: This sequence change replaces lysine, which is basic and polar, with arginine, which is basic and polar, at codon 455 of the NF2 protein (p.Lys455Arg). This variant is present in population databases (no rsID available, gnomAD 0.001%). This variant has not been reported in the literature in individuals affected with NF2-related conditions. ClinVar contains an entry for this variant (Variation ID: 527689). Invitae Evidence Modeling of protein sequence and biophysical properties (such as structural, functional, and spatial information, amino acid conservation, physicochemical variation, residue mobility, and thermodynamic stability) indicates that this missense variant is not expected to disrupt NF2 protein function with a negative predictive value of 80%. In summary, the available evidence is currently insufficient to determine the role of this variant in disease. Therefore, it has been classified as a Variant of Uncertain Significance.

Ambry Genetics
Classification: Uncertain significance for Hereditary cancer-predisposing syndrome. Last evaluated: 2023-08-08. Review status: criteria provided, single submitter. Criteria: Ambry Variant Classification Scheme 2023. Collection method: clinical testing. Allele origin: germline.
Comment: The p.K455R variant (also known as c.1364A>G), located in coding exon 13 of the NF2 gene, results from an A to G substitution at nucleotide position 1364. The lysine at codon 455 is replaced by arginine, an amino acid with highly similar properties. This amino acid position is highly conserved in available vertebrate species. In addition, the in silico prediction for this alteration is inconclusive. Since supporting evidence is limited at this time, the clinical significance of this alteration remains unclear.